The following is an entry in ClinVar:

NM_000443.4(ABCB4):c.2317G>C (p.Gly773Arg)

Gene: ABCB4 (ATP binding cassette subfamily B member 4; minus strand). Cytogenetic location: 7q21.12.
Variant type: single nucleotide variant.
Coding change: c.2317G>C on transcript NM_000443.4 (MANE Select); coding-DNA position 2317, G replaced by C.
Protein change: p.Gly773Arg; replaces glycine 773 with arginine.
Molecular consequence: missense variant.
Genome position (GRCh38, 1-based): chr7:87,420,075, C>G on the plus strand (G>C on the coding strand, the complement: ABCB4 is on the minus strand). VCF-style: chr7-87420075-C-G. GRCh37 (hg19) VCF-style: chr7-87049391-C-G.
Other names: c.2317G>C, p.Gly773Arg (NM_018849.3, NM_018850.3); short protein forms G773R.
Identifiers: ClinVar variation 4846482 (VCV004846482.1).

ClinVar aggregate classification (germline): Uncertain significance (1 of 4 stars; one submission).

Conditions:
Low phospholipid associated cholelithiasis (GBD1). Also called: Gallbladder disease 1; Gallstone cholecystitis. Identifiers: Orphanet 69663, MedGen C2609268, MONDO:0010939, OMIM 600803.

Submission:

Genomenon, Inc
Classification: Uncertain significance for Low phospholipid associated cholelithiasis. Last evaluated: 2026-04-14. Review status: criteria provided, single submitter. Criteria: Genomenon Sequence Variant Interpretation Standards - Updated. Collection method: curation. Allele origin: germline. Affected: yes.
Comment: ABCB4 p.Gly773Arg (c.2317G>C) is a missense variant that changes the amino acid at residue 773 from Glycine to Arginine. This variant has been observed in at least one proband with an ABCB4-related disorder (PMID:37701337). It is absent or not present at a significant frequency in gnomAD. In silico models predict that this variant is possibly or probably damaging. In conclusion, we classify ABCB4 p.Gly773Arg (c.2317G>C) as a variant of uncertain significance.

Literature cited by the submitters: PubMed 37701337.